The following is an entry in ClinVar:

ClinVar aggregate classification (germline): Uncertain significance. Review status: reviewed by expert panel (3 of 4 stars). 3 submissions from 3 submitters: Uncertain significance (1). 2 of the submissions do not count toward it. Last evaluated 2023-04-04.

Conditions:
Glycogen storage disease, type II (IOPD). Also called: GLYCOGENOSIS, GENERALIZED, CARDIAC FORM; GSD II; Pompe Disease; Glucosidase acid-1,4-alpha deficiency; CARDIOMEGALIA GLYCOGENICA DIFFUSA; POMPE DISEASE, INFANTILE-ONSET. Identifiers: Orphanet 365, MedGen C0017921, MONDO:0009290, OMIM 232300.

Submissions (3):

ClinGen Lysosomal Storage Disorder Variant Curation Expert Panel
Classification: Uncertain significance for Glycogen storage disease, type II. Last evaluated: 2023-04-04. Review status: reviewed by expert panel. Criteria: clingen_lsd_acmg_specifications_v2-1. Collection method: curation. Allele origin: germline. Inheritance: Autosomal recessive inheritance.
Comment: The NM_000152.5:c.2799+2C>T variant alters the donor splice site of intron 19, the final intron of GAA. Of note, the first two nucleotides of intron 19 are GC, rather than the typical GT. Therefore, the variant alters GC to GT, the first two nucleotides of a canonical splice site. In fact. the computational splicing predictor SpliceAI gives a score of 0.37 for donor gain at the normal donor splice site of intron 19, suggesting that the variant may generate a stronger intron 19 donor splice site. To our knowledge, the results of studies to analyze the impact of this variant on splicing are unavailable. Because this variant may strengthen the normal splice site, PVS1 has not been applied. The variant is absent in gnomAD v2.1.1 (PM2_Supporting). To our knowledge, this variant has not been reported in the literature in individuals with Pompe disease, There is a ClinVar entry for the variant (Variant ID: 574052). In summary, this variant meets the criteria to be classified as a variant of uncertain significance for Pompe disease. GAA-specific ACMG/AMP criteria applied, as specified by the ClinGen Lysosomal Diseases VCEP (Specifications Version 2.0): PM2_Supporting.

Labcorp Genetics (formerly Invitae), Labcorp
Classification: Uncertain significance for Glycogen storage disease, type II. Last evaluated: 2022-08-16. Review status: criteria provided, single submitter. Criteria: Invitae Variant Classification Sherloc (09022015). Collection method: clinical testing. Allele origin: germline. Not counted in ClinVar's aggregate classification.
Comment: This variant is not present in population databases (gnomAD no frequency). This sequence change affects a donor splice site in intron 19 of the GAA gene. While this variant is not anticipated to result in nonsense mediated decay, it likely alters RNA splicing and results in a disrupted protein product. In summary, the available evidence is currently insufficient to determine the role of this variant in disease. Therefore, it has been classified as a Variant of Uncertain Significance. Variants that disrupt the consensus splice site are a relatively common cause of aberrant splicing (PMID: 17576681, 9536098). Algorithms developed to predict the effect of sequence changes on RNA splicing suggest that this variant may disrupt the consensus splice site. ClinVar contains an entry for this variant (Variation ID: 574052). This variant has not been reported in the literature in individuals affected with GAA-related conditions.

Revvity Omics, Revvity
Classification: Uncertain significance. Last evaluated: 2022-07-01. Review status: criteria provided, single submitter. Criteria: ACMG Guidelines, 2015. Collection method: clinical testing. Allele origin: germline. Not counted in ClinVar's aggregate classification.

Literature cited by the submitters: PubMed 17576681 (cited by Labcorp Genetics (formerly Invitae), Labcorp); PubMed 9536098 (cited by Labcorp Genetics (formerly Invitae), Labcorp).

NM_000152.5(GAA):c.2799+2C>T

Gene: GAA (alpha glucosidase; plus strand). Cytogenetic location: 17q25.3.
Variant type: single nucleotide variant.
Coding change: c.2799+2C>T on transcript NM_000152.5 (MANE Select); the canonical splice donor site of the intron after coding-DNA position 2799, C replaced by T.
Molecular consequence: splice donor variant.
Genome position (GRCh38, 1-based): chr17:80,118,807, C>T. VCF-style: chr17-80118807-C-T. GRCh37 (hg19) VCF-style: chr17-78092606-C-T.
Other names: c.2799+2C>T (NM_001406741.1, NM_001406742.1, NM_001079803.3 and 1 more transcripts).
Identifiers: ClinVar variation 574052 (VCV000574052.10), dbSNP rs1555603318, ClinGen allele CA401327501.
Genomic context (GRCh38, chr17:80,118,807, plus strand): 5'-AGCAGGTCCTCTCCAACGGTGTCCCTGTCTCCAACTTCACCTACAGCCCCGACACCAAGG[C>T]AAGAGGGCCCAGAGTGGCACAGGGATCGCGTCCCCCAGCCGTGGTGCAGGGGGCAGAAGG-3'